The following is an entry in ClinVar:

ClinVar aggregate classification (germline): Uncertain significance (1 of 4 stars; one submission).

Conditions:
Hereditary cancer-predisposing syndrome. Also called: Neoplastic Syndromes, Hereditary; Tumor predisposition; Hereditary neoplastic syndrome; Hereditary Cancer Syndrome. Identifiers: Orphanet 140162, MedGen C0027672, MeSH D009386, MONDO:0015356.

Submission:

Ambry Genetics
Classification: Uncertain significance for Hereditary cancer-predisposing syndrome. Last evaluated: 2026-07-06. Review status: criteria provided, single submitter. Criteria: Ambry Variant Classification Scheme 2023. Collection method: clinical testing. Allele origin: germline.
Comment: The p.Q1067H variant (also known as c.3201G>C), located in coding exon 14 of the MET gene, results from a G to C substitution at nucleotide position 3201. The glutamine at codon 1067 is replaced by histidine, an amino acid with highly similar properties. This amino acid position is conserved. In addition, this alteration is predicted to be tolerated by in silico analysis. Based on the available evidence, the clinical significance of this variant remains unclear.

NM_000245.4(MET):c.3201G>C (p.Gln1067His)

Gene: MET (MET proto-oncogene, receptor tyrosine kinase; plus strand). Cytogenetic location: 7q31.2.
Variant type: single nucleotide variant.
Coding change: c.3201G>C on transcript NM_000245.4 (MANE Select); coding-DNA position 3201, G replaced by C.
Protein change: p.Gln1067His; replaces glutamine 1067 with histidine.
Molecular consequence: missense variant.
Genome position (GRCh38, 1-based): chr7:116,775,053, G>C. VCF-style: chr7-116775053-G-C. GRCh37 (hg19) VCF-style: chr7-116415107-G-C.
Other names: c.3255G>C, p.Gln1085His (NM_001127500.3); c.1911G>C, p.Gln637His (NM_001324402.2); short protein forms Q1085H, Q637H, Q1067H.
Identifiers: ClinVar variation 5024358 (VCV005024358.1).